The following is an entry in ClinVar:

NM_000321.3(RB1):c.1555_1566del (p.Asn519_Asn522del)

Gene: RB1 (RB transcriptional corepressor 1; plus strand). Cytogenetic location: 13q14.2.
Variant type: Deletion.
Coding change: c.1555_1566del on transcript NM_000321.3 (MANE Select); coding-DNA positions 1555 to 1566, 12 bases deleted (AATGTGCTTAAT).
Protein change: p.Asn519_Asn522del.
Molecular consequence: inframe deletion.
Genome position (GRCh38, 1-based): chr13:48,381,303-48,381,314, AATGTGCTTAAT deleted. VCF-style (leftmost placement, unchanged base first): chr13-48381302-GAATGTGCTTAAT-G. GRCh37 (hg19) VCF-style: chr13-48955438-GAATGTGCTTAAT-G.
Other names: c.1555_1566del, p.Asn519_Asn522del (NM_001407165.1, NM_001407166.1).
Identifiers: ClinVar variation 3237009 (VCV003237009.1), dbSNP rs2542206621.

ClinVar aggregate classification (germline): Uncertain significance (1 of 4 stars; one submission).

Conditions:
Retinoblastoma (RB1). Also called: RETINOBLASTOMA, SOMATIC. Identifiers: Orphanet 790, MedGen C0035335, MeSH D012175, MONDO:0008380, OMIM 180200, HP:0009919. Disease mechanism: loss of function. Inheritance: Both sporadic and heritable forms are tested..

Submission:

Genetic Diagnostic Laboratory, University of Pennsylvania School of Medicine
Classification: Uncertain significance for Retinoblastoma. Last evaluated: 2024-05-20. Review status: criteria provided, single submitter. Criteria: ACMG Guidelines, 2015. Collection method: clinical testing. Allele origin: germline. Affected: yes. Observed: 1 variant allele.
Comment: Case and Pedigree Information: BILATERAL CASES:1, UNILATERAL CASES:0, TOTAL CASES:1, PEDIGREES:1. ACMG Codes Applied:PM1, PM2, PM4